The following is an entry in ClinVar:

NM_001194998.2(CEP152):c.2939G>A (p.Arg980Gln)

Gene: CEP152 (centrosomal protein 152; minus strand). Cytogenetic location: 15q21.1.
Variant type: single nucleotide variant.
Coding change: c.2939G>A on transcript NM_001194998.2 (MANE Select); coding-DNA position 2939, G replaced by A.
Protein change: p.Arg980Gln; replaces arginine 980 with glutamine.
Molecular consequence: missense variant.
Genome position (GRCh38, 1-based): chr15:48,756,309, C>T on the plus strand (G>A on the coding strand, the complement: CEP152 is on the minus strand). VCF-style: chr15-48756309-C-T. GRCh37 (hg19) VCF-style: chr15-49048506-C-T.
Other names: c.2939G>A, p.Arg980Gln (NM_014985.4); short protein forms R980Q.
Identifiers: ClinVar variation 885097 (VCV000885097.9), dbSNP rs1042361244, ClinGen allele CA269537959.

ClinVar aggregate classification (germline): Uncertain significance. Review status: criteria provided, multiple submitters, no conflicts (2 of 4 stars). 6 submissions from 5 submitters: Uncertain significance (6). Last evaluated 2023-10-12.

Conditions:
Microcephaly 9, primary, autosomal recessive. Identifiers: Orphanet 2512, MedGen C3553886, MONDO:0013923, OMIM 614852.
Seckel syndrome 5 (SCKL5). Identifiers: Orphanet 808, MedGen C3151187, MONDO:0013443, OMIM 613823.
Inborn genetic diseases. Identifiers: MedGen C0950123, MeSH D030342.

Allele frequency attached by ClinVar (database versions not stated): gnomAD exomes below 0.00001 and 0.00001; gnomAD 0.00001; TOPMed 0.00002.
gnomAD v4.1: 12 of 1,575,074 alleles (0.00076%); highest among the groups gnomAD compares: Admixed American, 0.0019%; no homozygotes.

Submissions (6):

GeneDx
Classification: Uncertain significance. Last evaluated: 2023-10-12. Review status: criteria provided, single submitter. Criteria: GeneDx Variant Classification Process June 2021. Collection method: clinical testing. Allele origin: germline. Affected: yes.
Comment: Not observed at significant frequency in large population cohorts (gnomAD); In silico analysis supports that this missense variant does not alter protein structure/function; Has not been previously published as pathogenic or benign to our knowledge

Ambry Genetics
Classification: Uncertain significance for Inborn genetic diseases. Last evaluated: 2022-12-06. Review status: criteria provided, single submitter. Criteria: Ambry Variant Classification Scheme 2023. Collection method: clinical testing. Allele origin: germline.

Labcorp Genetics (formerly Invitae), Labcorp
Classification: Uncertain significance. Last evaluated: 2022-07-12. Review status: criteria provided, single submitter. Criteria: Invitae Variant Classification Sherloc (09022015). Collection method: clinical testing. Allele origin: germline.
Comment: This sequence change replaces arginine, which is basic and polar, with glutamine, which is neutral and polar, at codon 980 of the CEP152 protein (p.Arg980Gln). This variant is present in population databases (no rsID available, gnomAD 0.004%). This variant has not been reported in the literature in individuals affected with CEP152-related conditions. ClinVar contains an entry for this variant (Variation ID: 885097). Algorithms developed to predict the effect of missense changes on protein structure and function are either unavailable or do not agree on the potential impact of this missense change (SIFT: "Tolerated"; PolyPhen-2: "Possibly Damaging"; Align-GVGD: "Class C0"). In summary, the available evidence is currently insufficient to determine the role of this variant in disease. Therefore, it has been classified as a Variant of Uncertain Significance.

Revvity Omics, Revvity
Classification: Uncertain significance. Last evaluated: 2019-04-23. Review status: criteria provided, single submitter. Criteria: ACMG Guidelines, 2015. Collection method: clinical testing. Allele origin: germline.

Illumina Laboratory Services, Illumina
Classification: Uncertain significance for Microcephaly 9, primary, autosomal recessive. Last evaluated: 2018-01-13. Review status: criteria provided, single submitter. Criteria: ICSL Variant Classification Criteria 13 December 2019. Collection method: clinical testing. Allele origin: germline.

Illumina Laboratory Services, Illumina
Classification: Uncertain significance for Seckel syndrome 5. Last evaluated: 2018-01-13. Review status: criteria provided, single submitter. Criteria: ICSL Variant Classification Criteria 13 December 2019. Collection method: clinical testing. Allele origin: germline.